The following is an entry in ClinVar:

NM_000038.6(APC):c.2151G>A (p.Met717Ile)

Gene: APC (APC regulator of Wnt signaling pathway; plus strand). Cytogenetic location: 5q22.2.
Variant type: single nucleotide variant.
Coding change: c.2151G>A on transcript NM_000038.6 (MANE Select); coding-DNA position 2151, G replaced by A.
Protein change: p.Met717Ile; replaces methionine 717 with isoleucine.
Molecular consequence: missense variant. On other transcripts: non-coding transcript variant (2).
Genome position (GRCh38, 1-based): chr5:112,837,745, G>A. VCF-style: chr5-112837745-G-A. GRCh37 (hg19) VCF-style: chr5-112173442-G-A.
Other names: c.2151G>A, p.Met717Ile (NM_001127510.3, NM_001354895.2, NM_001407450.1); c.2097G>A, p.Met699Ile (NM_001127511.3); c.2205G>A, p.Met735Ile (NM_001354896.2, NM_001407447.1, NM_001407448.1 and 1 more transcripts); c.2181G>A, p.Met727Ile (NM_001354897.2); c.2076G>A, p.Met692Ile (NM_001354898.2); c.2067G>A, p.Met689Ile (NM_001354899.2); c.2028G>A, p.Met676Ile (NM_001354900.2); c.1974G>A, p.Met658Ile (NM_001354901.2, NM_001407453.1); and 11 more; short protein forms M333I, M434I, M557I, M588I, M591I, M616I, M626I, M634I.
Identifiers: ClinVar variation 3223312 (VCV003223312.1), dbSNP rs547109594, ClinGen allele CA16026039.

ClinVar aggregate classification (germline): Uncertain significance (1 of 4 stars; one submission).

Conditions:
Hereditary cancer-predisposing syndrome. Also called: Tumor predisposition; Hereditary neoplastic syndrome; Hereditary Cancer Syndrome; Neoplastic Syndromes, Hereditary. Identifiers: Orphanet 140162, MedGen C0027672, MeSH D009386, MONDO:0015356.

Submission:

Ambry Genetics
Classification: Uncertain significance for Hereditary cancer-predisposing syndrome. Last evaluated: 2022-12-23. Review status: criteria provided, single submitter. Criteria: Ambry Variant Classification Scheme 2023. Collection method: clinical testing. Allele origin: germline.
Comment: The p.M717I variant (also known as c.2151G>A), located in coding exon 15 of the APC gene, results from a G to A substitution at nucleotide position 2151. The methionine at codon 717 is replaced by isoleucine, an amino acid with highly similar properties. This amino acid position is conserved. In addition, in silico predictors for this gene do not accurately predict pathogenicity. Since supporting evidence is limited at this time, the clinical significance of this alteration remains unclear.